The following is an entry in ClinVar:

ClinVar aggregate classification (germline): Conflicting classifications of pathogenicity. Review status: criteria provided, conflicting classifications (1 of 4 stars). 4 submissions from 4 submitters: Uncertain significance (2); Likely benign (2). Last evaluated 2026-04-03.

Conditions:
Ullrich congenital muscular dystrophy 2 (UCMD2). Identifiers: Orphanet 75840, MedGen C4225314, MONDO:0014654, OMIM 616470.
Bethlem myopathy 2 (BTHLM2). Identifiers: Orphanet 536516, Orphanet 610, MedGen C4225313, MONDO:0034022, OMIM 616471.

Allele frequency attached by ClinVar (database versions not stated): gnomAD 0.00005 and 0.00006; TOPMed 0.00005; gnomAD exomes 0.00006 and 0.00010; ExAC 0.00013; ESP Exome Variant Server 0.00017.
gnomAD v4.1: 98 of 1,613,920 alleles (0.0061%); highest among the groups gnomAD compares: Non-Finnish European, 0.0014%; no homozygotes.

Submissions (4):

Women's Health and Genetics/Laboratory Corporation of America, LabCorp
Classification: Likely benign. Last evaluated: 2026-04-03. Review status: criteria provided, single submitter. Criteria: LabCorp Variant Classification Summary - May 2015. Collection method: clinical testing. Allele origin: germline.
Comment: Variant summary: COL12A1 c.2372C>T (p.Ser791Phe) results in a non-conservative amino acid change located in the Fibronectin type III repeat domain (IPR003961) of the encoded protein sequence. Algorithms developed to predict the effect of missense changes on protein structure and function are either unavailable or do not agree on the potential impact of this missense change. The variant allele was found at a frequency of 6.1e-05 in 1606926 control chromosomes, predominantly at a frequency of 0.0026 within the Ashkenazi Jewish subpopulation in the gnomAD database. To our knowledge, no occurrence of c.2372C>T in individuals affected with COL12A1-related conditions and no experimental evidence demonstrating its impact on protein function have been reported. ClinVar contains an entry for this variant (Variation ID: 800170). Based on the evidence outlined above, the variant was classified as likely benign.

Labcorp Genetics (formerly Invitae), Labcorp
Classification: Likely benign for Bethlem myopathy 2; Ullrich congenital muscular dystrophy 2. Last evaluated: 2026-02-03. Review status: criteria provided, single submitter. Criteria: Invitae Variant Classification Sherloc (09022015). Collection method: clinical testing. Allele origin: germline.

GeneDx
Classification: Uncertain significance. Last evaluated: 2024-06-27. Review status: criteria provided, single submitter. Criteria: GeneDx Variant Classification Process June 2021. Collection method: clinical testing. Allele origin: germline. Affected: yes.
Comment: In silico analysis indicates that this missense variant does not alter protein structure/function; Has not been previously published as pathogenic or benign to our knowledge

Revvity Omics, Revvity
Classification: Uncertain significance. Last evaluated: 2023-08-15. Review status: criteria provided, single submitter. Criteria: ACMG Guidelines, 2015. Collection method: clinical testing. Allele origin: germline.

NM_004370.6(COL12A1):c.2372C>T (p.Ser791Phe)

Gene: COL12A1 (collagen type XII alpha 1 chain; minus strand). Cytogenetic location: 6q13.
Variant type: single nucleotide variant.
Coding change: c.2372C>T on transcript NM_004370.6 (MANE Select); coding-DNA position 2372, C replaced by T.
Protein change: p.Ser791Phe; replaces serine 791 with phenylalanine.
Molecular consequence: missense variant. On other transcripts: intron variant (1).
Genome position (GRCh38, 1-based): chr6:75,177,728, G>A on the plus strand (C>T on the coding strand, the complement: COL12A1 is on the minus strand). VCF-style: chr6-75177728-G-A. GRCh37 (hg19) VCF-style: chr6-75887444-G-A.
Other names: c.73+24992C>T (NM_080645.3); short protein forms S791F.
Identifiers: ClinVar variation 800170 (VCV000800170.17), dbSNP rs376517147, ClinGen allele CA3893999.